The following is an entry in ClinVar:

ClinVar aggregate classification (germline): Uncertain significance (1 of 4 stars; one submission).

gnomAD v4.1: 2 of 1,613,564 alleles (0.00012%); highest among the groups gnomAD compares: Admixed American, 0.0033%; no homozygotes.

Submission:

Ambry Genetics
Classification: Uncertain significance. Last evaluated: 2025-10-02. Review status: criteria provided, single submitter. Criteria: Ambry Variant Classification Scheme 2023. Collection method: clinical testing. Allele origin: germline.
Comment: The c.866C>T (p.S289F) alteration is located in exon 4 (coding exon 1) of the SHROOM1 gene. This alteration results from a C to T substitution at nucleotide position 866, causing the serine (S) at amino acid position 289 to be replaced by a phenylalanine (F). Based on data from gnomAD, the T allele has an overall frequency of <0.001% (1/249322) total alleles studied. The highest observed frequency was 0.003% (1/34458) of Latino alleles. Based on insufficient or conflicting evidence, the clinical significance of this alteration remains unclear.

NM_001172700.2(SHROOM1):c.866C>T (p.Ser289Phe)

Gene: SHROOM1 (shroom family member 1; minus strand). Cytogenetic location: 5q31.1.
Variant type: single nucleotide variant.
Coding change: c.866C>T on transcript NM_001172700.2 (MANE Select); coding-DNA position 866, C replaced by T.
Protein change: p.Ser289Phe; replaces serine 289 with phenylalanine.
Molecular consequence: missense variant.
Genome position (GRCh38, 1-based): chr5:132,825,275, G>A on the plus strand (C>T on the coding strand, the complement: SHROOM1 is on the minus strand). VCF-style: chr5-132825275-G-A. GRCh37 (hg19) VCF-style: chr5-132160967-G-A.
Other names: c.866C>T, p.Ser289Phe (NM_001410779.1, NM_133456.3); short protein forms S289F.
Identifiers: ClinVar variation 4583648 (VCV004583648.1).